The following is an entry in ClinVar:

ClinVar aggregate classification (germline): Pathogenic (1 of 4 stars; one submission).

Conditions:
Cystic fibrosis (CF). Also called: MUCOVISCIDOSIS. Identifiers: Orphanet 586, MedGen C0010674, MONDO:0009061, OMIM 219700. Disease mechanism: loss of function.

Submission:

Labcorp Genetics (formerly Invitae), Labcorp
Classification: Pathogenic for Cystic fibrosis. Last evaluated: 2021-09-15. Review status: criteria provided, single submitter. Criteria: Invitae Variant Classification Sherloc (09022015). Collection method: clinical testing. Allele origin: germline.
Comment: For these reasons, this variant has been classified as Pathogenic. This variant disrupts a region of the CFTR protein in which other variant(s) (p.Arg258Gly) have been determined to be pathogenic (PMID: 7529962, 9305991, 10376575, 11466205, 16196493, 19810821, 23104983). This suggests that this is a clinically significant region of the protein, and that variants that disrupt it are likely to be disease-causing. This variant has not been reported in the literature in individuals affected with CFTR-related conditions. This variant is a gross deletion of the genomic region encompassing exon(s) 7 of the CFTR gene. This variant would be expected to be in-frame, preserving the integrity of the reading frame.

Literature cited by the submitters: PubMed 7529962; PubMed 9305991; PubMed 10376575; PubMed 11466205; PubMed 16196493; PubMed 19810821; PubMed 23104983.

NC_000007.13:g.(?_117176588)_(117176752_?)del

Gene: CFTR (CF transmembrane conductance regulator; plus strand). Cytogenetic location: 7q31.2.
Variant type: Deletion.
Identifiers: ClinVar variation 1455020 (VCV001455020.4).